The following is an entry in ClinVar:

NM_000548.5(TSC2):c.1444G>A (p.Glu482Lys)

Gene: TSC2 (TSC complex subunit 2; plus strand). Cytogenetic location: 16p13.3.
Variant type: single nucleotide variant.
Coding change: c.1444G>A on transcript NM_000548.5 (MANE Select); coding-DNA position 1444, G replaced by A.
Protein change: p.Glu482Lys; replaces glutamic acid 482 with lysine.
Molecular consequence: missense variant.
Genome position (GRCh38, 1-based): chr16:2,064,272, G>A. VCF-style: chr16-2064272-G-A. GRCh37 (hg19) VCF-style: chr16-2114273-G-A.
Other names: c.1297G>A, p.Glu433Lys (NM_001406675.1, NM_001406676.1, NM_001406679.1 and 1 more transcripts); c.1387G>A, p.Glu463Lys (NM_001406677.1); c.1333G>A, p.Glu445Lys (NM_001406678.1, NM_001318827.2, NM_001406670.1); c.844G>A, p.Glu282Lys (NM_001406680.1, NM_001318831.2, NM_001406685.1 and 6 more transcripts); c.982G>A, p.Glu328Lys (NM_001406681.1); c.1444G>A, p.Glu482Lys (NM_001077183.3, NM_001114382.3, NM_001363528.2 and 6 more transcripts); c.1477G>A, p.Glu493Lys (NM_001318832.2); c.1534G>A, p.Glu512Lys (NM_001406667.1, NM_001406668.1); and 3 more; short protein forms E282K, E328K, E34K, E433K, E445K, E463K, E478K, E482K.
Identifiers: ClinVar variation 1720774 (VCV001720774.6), dbSNP rs1308965961, ClinGen allele CA394325398.
Genomic context (GRCh38, chr16:2,064,272, plus strand): 5'-TGTCACGAGATGTGGCCCTCGTTGGGCTGGCGCTCATTGGCCTCCCTTGTGCCTGTGCAG[G>A]AGGAGCTGATTAACTCAGTGGTCATCTCGCAGCTCTCCCACATCCCCGAGGATAAAGACC-3'
Protein context (NP_000539.2, residues 472-492): VLLINRQFYE[Glu482Lys]ELINSVVISQ

ClinVar aggregate classification (germline): Uncertain significance. Review status: criteria provided, multiple submitters, no conflicts (2 of 4 stars). 2 submissions from 2 submitters: Uncertain significance (2). Last evaluated 2026-05-15.

Conditions:
Hereditary cancer-predisposing syndrome. Also called: Hereditary Cancer Syndrome; Neoplastic Syndromes, Hereditary; Hereditary neoplastic syndrome; Tumor predisposition. Identifiers: Orphanet 140162, MedGen C0027672, MeSH D009386, MONDO:0015356.
Tuberous sclerosis 2 (TSC2). Identifiers: Orphanet 805, MedGen C1860707, MONDO:0013199, OMIM 613254.

Submissions (2):

Ambry Genetics
Classification: Uncertain significance for Hereditary cancer-predisposing syndrome. Last evaluated: 2026-05-15. Review status: criteria provided, single submitter. Criteria: Ambry Variant Classification Scheme 2023. Collection method: clinical testing. Allele origin: germline.
Comment: The p.E482K variant (also known as c.1444G>A) is located in coding exon 14 of the TSC2 gene. The glutamic acid at codon 482 is replaced by lysine, an amino acid with similar properties. This change occurs in the first base pair of coding exon 14. This amino acid position is well conserved in available vertebrate species. In addition, the in silico prediction for this alteration is inconclusive. Based on the available evidence, the clinical significance of this variant remains unclear.

Labcorp Genetics (formerly Invitae), Labcorp
Classification: Uncertain significance for Tuberous sclerosis 2. Last evaluated: 2023-12-06. Review status: criteria provided, single submitter. Criteria: Invitae Variant Classification Sherloc (09022015). Collection method: clinical testing. Allele origin: germline.
Comment: This sequence change replaces glutamic acid, which is acidic and polar, with lysine, which is basic and polar, at codon 482 of the TSC2 protein (p.Glu482Lys). This variant is present in population databases (no rsID available, gnomAD 0.0009%). This variant has not been reported in the literature in individuals affected with TSC2-related conditions. ClinVar contains an entry for this variant (Variation ID: 1720774). An algorithm developed to predict the effect of missense changes on protein structure and function (PolyPhen-2) suggests that this variant is likely to be tolerated. Algorithms developed to predict the effect of sequence changes on RNA splicing suggest that this variant may create or strengthen a splice site. In summary, the available evidence is currently insufficient to determine the role of this variant in disease. Therefore, it has been classified as a Variant of Uncertain Significance.